The following is an entry in ClinVar:

NM_007315.4(STAT1):c.1989_1997dup (p.Leu667_Tyr668insLysTyrLeu)

Gene: STAT1 (signal transducer and activator of transcription 1; minus strand). Cytogenetic location: 2q32.2.
Variant type: Duplication.
Coding change: c.1989_1997dup on transcript NM_007315.4 (MANE Select); coding-DNA positions 1989 to 1997, 9 bases duplicated (CCTGAAGTA; older notation c.1989_1997dupCCTGAAGTA).
Protein change: p.Leu667_Tyr668insLysTyrLeu.
Molecular consequence: inframe insertion. On other transcripts: intron variant (1).
Genome position (GRCh38, 1-based): chr2:190,976,902-190,976,910, TACTTCAGG duplicated on the plus strand (CCTGAAGTA on the coding strand, the reverse complement: STAT1 is on the minus strand). VCF-style (leftmost placement, unchanged base first): chr2-190976901-A-ATACTTCAGG. GRCh37 (hg19) VCF-style: chr2-191841627-A-ATACTTCAGG.
Other names: c.1929_1937dup, p.Leu647_Tyr648insLysTyrLeu (NM_001384880.1); c.1995_2003dup, p.Leu669_Tyr670insLysTyrLeu (NM_001384881.1); c.1983_1991dup, p.Leu665_Tyr666insLysTyrLeu (NM_001384882.1); c.1890_1898dup, p.Leu634_Tyr635insLysTyrLeu (NM_001384883.1); c.1830_1838dup, p.Leu614_Tyr615insLysTyrLeu (NM_001384885.1); c.1989_1997dup, p.Leu667_Tyr668insLysTyrLeu (NM_001384886.1, NM_001384889.1, NM_139266.3); c.1896_1904dup, p.Leu636_Tyr637insLysTyrLeu (NM_001384887.1); c.1959_1967dup, p.Leu657_Tyr658insLysTyrLeu (NM_001384888.1); and 3 more.
Identifiers: ClinVar variation 2000467 (VCV002000467.4), dbSNP rs2470418143, ClinGen allele CA2580065345.

ClinVar aggregate classification (germline): Uncertain significance (1 of 4 stars; one submission).

Conditions:
Autoimmune enteropathy and endocrinopathy - susceptibility to chronic infections syndrome. Also called: Immunodeficiency 31C, autosomal dominant; Immunodeficiency 31C. Identifiers: Orphanet 391487, MedGen C3279990, MONDO:0013599, OMIM 614162.
Immunodeficiency 31B. Also called: STAT1 DEFICIENCY, AUTOSOMAL RECESSIVE; IMMUNODEFICIENCY 31B, MYCOBACTERIAL AND VIRAL INFECTIONS, AUTOSOMAL RECESSIVE. Identifiers: Orphanet 391311, MedGen C3151088, MONDO:0013427, OMIM 613796.
Mendelian susceptibility to mycobacterial diseases due to partial STAT1 deficiency. Also called: IMMUNODEFICIENCY 31A, MYCOBACTERIOSIS, AUTOSOMAL DOMINANT; STAT1 DEFICIENCY, AUTOSOMAL DOMINANT; Immunodeficiency 31a. Identifiers: Orphanet 319595, MedGen C4013950, MONDO:0013956, OMIM 614892.

Submission:

Labcorp Genetics (formerly Invitae), Labcorp
Classification: Uncertain significance for Mendelian susceptibility to mycobacterial diseases due to partial STAT1 deficiency; Immunodeficiency 31B; Autoimmune enteropathy and endocrinopathy - susceptibility to chronic infections syndrome. Last evaluated: 2022-11-22. Review status: criteria provided, single submitter. Criteria: Invitae Variant Classification Sherloc (09022015). Collection method: clinical testing. Allele origin: germline.
Comment: In summary, the available evidence is currently insufficient to determine the role of this variant in disease. Therefore, it has been classified as a Variant of Uncertain Significance. Experimental studies and prediction algorithms are not available or were not evaluated, and the functional significance of this variant is currently unknown. This variant has not been reported in the literature in individuals affected with STAT1-related conditions. This variant is not present in population databases (gnomAD no frequency). This variant, c.1989_1997dup, results in the insertion of 3 amino acid(s) of the STAT1 protein (p.Lys665_Leu667dup), but otherwise preserves the integrity of the reading frame.